The following is an entry in ClinVar:

ClinVar aggregate classification (germline): Uncertain significance. Review status: criteria provided, multiple submitters, no conflicts (2 of 4 stars). 2 submissions from 2 submitters: Uncertain significance (2). Last evaluated 2025-12-12.

Allele frequency attached by ClinVar (database versions not stated): ExAC 0.00003; gnomAD 0.00009; gnomAD exomes 0.00009; TOPMed 0.00016; ESP Exome Variant Server 0.00023.
gnomAD v4.1: 137 of 1,605,090 alleles (0.0085%); highest among the groups gnomAD compares: African/African-American, 0.017%; no homozygotes.

Submissions (2):

Women's Health and Genetics/Laboratory Corporation of America, LabCorp
Classification: Uncertain significance. Last evaluated: 2025-12-12. Review status: criteria provided, single submitter. Criteria: LabCorp Variant Classification Summary - May 2015. Collection method: clinical testing. Allele origin: germline.
Comment: Variant summary: ZNF687 c.3238C>T (p.Arg1080Cys) results in a non-conservative amino acid change in the encoded protein sequence. Algorithms developed to predict the effect of missense changes on protein structure and function are either unavailable or do not agree on the potential impact of this missense change. The variant allele was found at a frequency of 4.5e-05 in 245802 control chromosomes. This frequency is not significantly higher than estimated for disease-causing variants in ZNF687, allowing no conclusion about variant significance. To our knowledge, no occurrence of c.3238C>T in individuals affected with ZNF687-related conditions and no experimental evidence demonstrating its impact on protein function have been reported. ClinVar contains an entry for this variant (Variation ID: 2719385). Based on the evidence outlined above, the variant was classified as uncertain significance.

Labcorp Genetics (formerly Invitae), Labcorp
Classification: Uncertain significance. Last evaluated: 2023-11-14. Review status: criteria provided, single submitter. Criteria: Invitae Variant Classification Sherloc (09022015). Collection method: clinical testing. Allele origin: germline.
Comment: This sequence change replaces arginine, which is basic and polar, with cysteine, which is neutral and slightly polar, at codon 1080 of the ZNF687 protein (p.Arg1080Cys). This variant is present in population databases (rs148677920, gnomAD 0.01%). This variant has not been reported in the literature in individuals affected with ZNF687-related conditions. An algorithm developed to predict the effect of missense changes on protein structure and function (PolyPhen-2) suggests that this variant is likely to be disruptive. In summary, the available evidence is currently insufficient to determine the role of this variant in disease. Therefore, it has been classified as a Variant of Uncertain Significance.

NM_020832.3(ZNF687):c.3238C>T (p.Arg1080Cys)

Gene: ZNF687 (zinc finger protein 687; plus strand). Cytogenetic location: 1q21.3.
Variant type: single nucleotide variant.
Coding change: c.3238C>T on transcript NM_020832.3 (MANE Select); coding-DNA position 3238, C replaced by T.
Protein change: p.Arg1080Cys; replaces arginine 1080 with cysteine.
Molecular consequence: missense variant.
Genome position (GRCh38, 1-based): chr1:151,290,733, C>T. VCF-style: chr1-151290733-C-T. GRCh37 (hg19) VCF-style: chr1-151263209-C-T.
Other names: c.3238C>T, p.Arg1080Cys (NM_001304763.2, NM_001304764.2); short protein forms R1080C.
Identifiers: ClinVar variation 2719385 (VCV002719385.4), dbSNP rs148677920, ClinGen allele CA1088825.